The following is an entry in ClinVar:

NM_007027.4(TOPBP1):c.3125A>G (p.Asn1042Ser)

Gene: TOPBP1 (DNA topoisomerase II binding protein 1; minus strand). Cytogenetic location: 3q22.1.
Variant type: single nucleotide variant.
Coding change: c.3125A>G on transcript NM_007027.4 (MANE Select); coding-DNA position 3125, A replaced by G.
Protein change: p.Asn1042Ser; replaces asparagine 1042 with serine.
Molecular consequence: missense variant.
Genome position (GRCh38, 1-based): chr3:133,623,144, T>C on the plus strand (A>G on the coding strand, the complement: TOPBP1 is on the minus strand). VCF-style: chr3-133623144-T-C. GRCh37 (hg19) VCF-style: chr3-133341988-T-C.
Other names: c.3110A>G, p.Asn1037Ser (NM_001363889.2); short protein forms N1037S, N1042S.
Identifiers: ClinVar variation 3059833 (VCV003059833.2), dbSNP rs10935070, ClinGen allele CA2624062.

ClinVar aggregate classification (germline): Benign (0 of 4 stars; one submission).

Conditions:
TOPBP1-related disorder. Also called: TOPBP1-related condition.

Allele frequency attached by ClinVar (database versions not stated): 1000 Genomes Project 30x 0.18676; 1000 Genomes Project 0.18790; TOPMed 0.22557; gnomAD 0.23058; ESP Exome Variant Server 0.24471.
gnomAD v4.1: 481,192 of 1,608,256 alleles (30%); highest among the groups gnomAD compares: South Asian, 37%; 77,814 homozygotes.

Submission:

PreventionGenetics, part of Exact Sciences
Classification: Benign for TOPBP1-related condition. Last evaluated: 2019-10-18. Review status: no assertion criteria provided. Collection method: clinical testing. Allele origin: germline.
Comment: This variant is classified as benign based on ACMG/AMP sequence variant interpretation guidelines (Richards et al. 2015 PMID: 25741868, with internal and published modifications).